The following is an entry in ClinVar:

ClinVar aggregate classification (germline): Uncertain significance. Review status: criteria provided, multiple submitters, no conflicts (2 of 4 stars). 2 submissions from 2 submitters: Uncertain significance (2). Last evaluated 2024-11-30.

gnomAD v4.1: 51 of 1,613,860 alleles (0.0032%); highest among the groups gnomAD compares: South Asian, 0.013%; no homozygotes.

Submissions (2):

Labcorp Genetics (formerly Invitae), Labcorp
Classification: Uncertain significance. Last evaluated: 2024-11-30. Review status: criteria provided, single submitter. Criteria: Invitae Variant Classification Sherloc (09022015). Collection method: clinical testing. Allele origin: germline.
Comment: This sequence change replaces valine, which is neutral and non-polar, with methionine, which is neutral and non-polar, at codon 84 of the S1PR2 protein (p.Val84Met). This variant is present in population databases (rs369608498, gnomAD 0.01%). This variant has not been reported in the literature in individuals affected with S1PR2-related conditions. An algorithm developed to predict the effect of missense changes on protein structure and function outputs the following: PolyPhen-2: "Benign". The methionine amino acid residue is found in multiple mammalian species, which suggests that this missense change does not adversely affect protein function. In summary, the available evidence is currently insufficient to determine the role of this variant in disease. Therefore, it has been classified as a Variant of Uncertain Significance.

Blueprint Genetics
Classification: Uncertain significance. Last evaluated: 2021-09-07. Review status: criteria provided, single submitter. Criteria: ACMG Guidelines, 2015. Collection method: clinical testing. Allele origin: germline.

NM_004230.4(S1PR2):c.250G>A (p.Val84Met)

Gene: S1PR2 (sphingosine-1-phosphate receptor 2; minus strand). Cytogenetic location: 19p13.2.
Variant type: single nucleotide variant.
Coding change: c.250G>A on transcript NM_004230.4 (MANE Select); coding-DNA position 250, G replaced by A.
Protein change: p.Val84Met; replaces valine 84 with methionine.
Molecular consequence: missense variant.
Genome position (GRCh38, 1-based): chr19:10,224,656, C>T on the plus strand (G>A on the coding strand, the complement: S1PR2 is on the minus strand). VCF-style: chr19-10224656-C-T. GRCh37 (hg19) VCF-style: chr19-10335332-C-T.
Other names: short protein forms V84M.
Identifiers: ClinVar variation 3713949 (VCV003713949.2).